The following is an entry in ClinVar:

ClinVar aggregate classification (germline): Uncertain significance. Review status: criteria provided, multiple submitters, no conflicts (2 of 4 stars). 2 submissions from 2 submitters: Uncertain significance (2). Last evaluated 2024-09-09.

Conditions:
Inborn genetic diseases. Identifiers: MedGen C0950123, MeSH D030342.

Allele frequency attached by ClinVar (database versions not stated): TOPMed 0.00003; gnomAD 0.00004; gnomAD exomes 0.00010.

Submissions (2):

Labcorp Genetics (formerly Invitae), Labcorp
Classification: Uncertain significance. Last evaluated: 2024-09-09. Review status: criteria provided, single submitter. Criteria: Invitae Variant Classification Sherloc (09022015). Collection method: clinical testing. Allele origin: germline.
Comment: This sequence change replaces glutamine, which is neutral and polar, with arginine, which is basic and polar, at codon 156 of the TCIRG1 protein (p.Gln156Arg). The frequency data for this variant in the population databases is considered unreliable, as metrics indicate poor data quality at this position in the gnomAD database. This variant has not been reported in the literature in individuals affected with TCIRG1-related conditions. ClinVar contains an entry for this variant (Variation ID: 2076337). Invitae Evidence Modeling of protein sequence and biophysical properties (such as structural, functional, and spatial information, amino acid conservation, physicochemical variation, residue mobility, and thermodynamic stability) indicates that this missense variant is not expected to disrupt TCIRG1 protein function with a negative predictive value of 80%. In summary, the available evidence is currently insufficient to determine the role of this variant in disease. Therefore, it has been classified as a Variant of Uncertain Significance.

Ambry Genetics
Classification: Uncertain significance for Inborn genetic diseases. Last evaluated: 2021-10-06. Review status: criteria provided, single submitter. Criteria: Ambry Variant Classification Scheme 2023. Collection method: clinical testing. Allele origin: germline.

NM_006019.4(TCIRG1):c.467A>G (p.Gln156Arg)

Gene: TCIRG1 (T cell immune regulator 1, ATPase H+ transporting V0 subunit a3; plus strand). Cytogenetic location: 11q13.2.
Variant type: single nucleotide variant.
Coding change: c.467A>G on transcript NM_006019.4 (MANE Select); coding-DNA position 467, A replaced by G.
Protein change: p.Gln156Arg; replaces glutamine 156 with arginine.
Molecular consequence: missense variant. On other transcripts: 5 prime UTR variant (2).
Genome position (GRCh38, 1-based): chr11:68,042,995, A>G. VCF-style: chr11-68042995-A-G. GRCh37 (hg19) VCF-style: chr11-67810462-A-G.
Other names: c.-783A>G (NM_001351059.2); c.-521A>G (NM_006053.4); short protein forms Q156R.
Identifiers: ClinVar variation 2076337 (VCV002076337.3), dbSNP rs892466007, ClinGen allele CA224203323.